The following is an entry in ClinVar:

ClinVar aggregate classification (germline): Uncertain significance (1 of 4 stars; one submission).

Conditions:
Myofibrillar myopathy 6. Identifiers: Orphanet 199340, MedGen C2751831, MONDO:0013061, OMIM 612954.
Dilated cardiomyopathy 1HH (CMD1HH). Identifiers: Orphanet 154, MedGen C3151293, MONDO:0013479, OMIM 613881.

Submission:

Labcorp Genetics (formerly Invitae), Labcorp
Classification: Uncertain significance for Dilated cardiomyopathy 1HH; Myofibrillar myopathy 6. Last evaluated: 2022-03-12. Review status: criteria provided, single submitter. Criteria: Invitae Variant Classification Sherloc (09022015). Collection method: clinical testing. Allele origin: germline.
Comment: In summary, the available evidence is currently insufficient to determine the role of this variant in disease. Therefore, it has been classified as a Variant of Uncertain Significance. Algorithms developed to predict the effect of missense changes on protein structure and function (SIFT, PolyPhen-2, Align-GVGD) all suggest that this variant is likely to be tolerated. This variant has not been reported in the literature in individuals affected with BAG3-related conditions. This variant is not present in population databases (gnomAD no frequency). This sequence change replaces serine, which is neutral and polar, with phenylalanine, which is neutral and non-polar, at codon 269 of the BAG3 protein (p.Ser269Phe).

NM_004281.4(BAG3):c.806C>T (p.Ser269Phe)

Gene: BAG3 (BAG cochaperone 3; plus strand). Cytogenetic location: 10q26.11.
Variant type: single nucleotide variant.
Coding change: c.806C>T on transcript NM_004281.4 (MANE Select); coding-DNA position 806, C replaced by T.
Protein change: p.Ser269Phe; replaces serine 269 with phenylalanine.
Molecular consequence: missense variant.
Genome position (GRCh38, 1-based): chr10:119,672,553, C>T. VCF-style: chr10-119672553-C-T. GRCh37 (hg19) VCF-style: chr10-121432065-C-T.
Other names: short protein forms S269F.
Identifiers: ClinVar variation 2110021 (VCV002110021.4), dbSNP rs2494014438, ClinGen allele CA378295836.